The following is an entry in ClinVar:

ClinVar aggregate classification (germline): Likely benign (1 of 4 stars; one submission).

gnomAD v4.1: 3 of 1,613,044 alleles (0.00019%); highest among the groups gnomAD compares: Admixed American, 0.005%; no homozygotes.

Submission:

CeGaT Center for Human Genetics Tuebingen
Classification: Likely benign. Last evaluated: 2025-09-01. Review status: criteria provided, single submitter. Criteria: CeGaT Center For Human Genetics Tuebingen Variant Classification Criteria Version 2. Collection method: clinical testing. Allele origin: germline. Affected: yes. Observed: 1 variant allele.
Comment: SLF2: BP4, BP7

NM_018121.4(SLF2):c.3387G>A (p.Arg1129=)

Gene: SLF2 (SMC5/6 complex localization factor 2; plus strand). Cytogenetic location: 10q24.31.
Variant type: single nucleotide variant.
Coding change: c.3387G>A on transcript NM_018121.4 (MANE Select); coding-DNA position 3387, G replaced by A.
Protein change: p.Arg1129=; no amino-acid change (arginine 1129 retained).
Molecular consequence: synonymous variant.
Genome position (GRCh38, 1-based): chr10:100,956,507, G>A. VCF-style: chr10-100956507-G-A. GRCh37 (hg19) VCF-style: chr10-102716264-G-A.
Other names: c.3387G>A, p.Arg1129= (NM_001136123.2).
Identifiers: ClinVar variation 4281546 (VCV004281546.7).